The following is an entry in ClinVar:

NM_020964.3(EPG5):c.6372G>T (p.Met2124Ile)

Gene: EPG5 (ectopic P-granules 5 autophagy tethering factor; minus strand). Cytogenetic location: 18q12.3.
Variant type: single nucleotide variant.
Coding change: c.6372G>T on transcript NM_020964.3 (MANE Select); coding-DNA position 6372, G replaced by T.
Protein change: p.Met2124Ile; replaces methionine 2124 with isoleucine.
Molecular consequence: missense variant.
Genome position (GRCh38, 1-based): chr18:45,867,602, C>A on the plus strand (G>T on the coding strand, the complement: EPG5 is on the minus strand). VCF-style: chr18-45867602-C-A. GRCh37 (hg19) VCF-style: chr18-43447567-C-A.
Other names: c.6372G>T (NM_020964.2); short protein forms M2124I.
Identifiers: ClinVar variation 1080565 (VCV001080565.13), dbSNP rs537052000, ClinGen allele CA8948295.
Genomic context (GRCh38, chr18:45,867,602, plus strand): 5'-CCATAAGCTTCCCAAACTTACTGTTTGGTCTACCAGTTGAACTTCCTTTGCCAATAAAAT[C>A]ATCATGAAAAGGAGGCAGACAATCATGCTGCGGGTTTCTGGGTGGGGACTGGAATTCCAG-3'
Protein context (NP_066015.2, residues 2114-2134): RSMIVCLLFM[Met2124Ile]ILLAKEVQLV

ClinVar aggregate classification (germline): Likely benign. Review status: criteria provided, multiple submitters, no conflicts (2 of 4 stars). 3 submissions from 3 submitters: Likely benign (2). 1 of the submissions does not count toward it. Last evaluated 2025-12-09.

Conditions:
EPG5-related disorder. Also called: EPG5-related condition. Identifiers: MedGen CN381528.
Vici syndrome (VICIS). Identifiers: Orphanet 1493, MedGen C1855772, MONDO:0009452, OMIM 242840.

Allele frequency attached by ClinVar (database versions not stated): 1000 Genomes Project 0.00080; 1000 Genomes Project 30x 0.00125.
gnomAD v4.1: 92 of 1,614,042 alleles (0.0057%); highest among the groups gnomAD compares: East Asian, 0.19%; no homozygotes.

Submissions (3):

Labcorp Genetics (formerly Invitae), Labcorp
Classification: Likely benign for Vici syndrome. Last evaluated: 2025-12-09. Review status: criteria provided, single submitter. Criteria: Invitae Variant Classification Sherloc (09022015). Collection method: clinical testing. Allele origin: germline.

Blueprint Genetics
Classification: Likely benign. Last evaluated: 2024-09-12. Review status: criteria provided, single submitter. Criteria: ACMG Guidelines, 2015. Collection method: clinical testing. Allele origin: germline.

PreventionGenetics, part of Exact Sciences
Classification: Likely benign for EPG5-related condition. Last evaluated: 2022-09-08. Review status: no assertion criteria provided. Collection method: clinical testing. Allele origin: germline. Not counted in ClinVar's aggregate classification.
Comment: This variant is classified as likely benign based on ACMG/AMP sequence variant interpretation guidelines (Richards et al. 2015 PMID: 25741868, with internal and published modifications).